The following is an entry in ClinVar:

NM_004369.4(COL6A3):c.5994A>C (p.Arg1998=)

Gene: COL6A3 (collagen type VI alpha 3 chain; minus strand). Cytogenetic location: 2q37.3.
Variant type: single nucleotide variant.
Coding change: c.5994A>C on transcript NM_004369.4 (MANE Select); coding-DNA position 5994, A replaced by C.
Protein change: p.Arg1998=; no amino-acid change (arginine 1998 retained).
Molecular consequence: synonymous variant.
Genome position (GRCh38, 1-based): chr2:237,363,322, T>G on the plus strand (A>C on the coding strand, the complement: COL6A3 is on the minus strand). VCF-style: chr2-237363322-T-G. GRCh37 (hg19) VCF-style: chr2-238271965-T-G.
Other names: c.4173A>C, p.Arg1391= (NM_057166.5); c.5376A>C, p.Arg1792= (NM_057167.4).
Identifiers: ClinVar variation 3057752 (VCV003057752.2), dbSNP rs757662895, ClinGen allele CA2188505.

ClinVar aggregate classification (germline): Likely benign (0 of 4 stars; one submission).

Conditions:
COL6A3-related disorder. Also called: COL6A3-related disorders; COL6A3-related condition.

Allele frequency attached by ClinVar (database versions not stated): gnomAD 0.00001; TOPMed 0.00002; ExAC 0.00002; gnomAD exomes 0.00003.
gnomAD v4.1: 48 of 1,613,886 alleles (0.003%); highest among the groups gnomAD compares: South Asian, 0.018%; no homozygotes.

Submission:

PreventionGenetics, part of Exact Sciences
Classification: Likely benign for COL6A3-related condition. Last evaluated: 2019-02-28. Review status: no assertion criteria provided. Collection method: clinical testing. Allele origin: germline.
Comment: This variant is classified as likely benign based on ACMG/AMP sequence variant interpretation guidelines (Richards et al. 2015 PMID: 25741868, with internal and published modifications).